The following is an entry in ClinVar:

ClinVar aggregate classification (germline): Uncertain significance. Review status: criteria provided, multiple submitters, no conflicts (2 of 4 stars). 2 submissions from 2 submitters: Uncertain significance (2). Last evaluated 2025-08-10.

Conditions:
Inborn genetic diseases. Identifiers: MedGen C0950123, MeSH D030342.

Allele frequency attached by ClinVar (database versions not stated): gnomAD exomes 0.00001; ExAC 0.00002; TOPMed 0.00002; ESP Exome Variant Server 0.00008.
gnomAD v4.1: 9 of 1,614,150 alleles (0.00056%); highest among the groups gnomAD compares: South Asian, 0.0011%; no homozygotes.

Submissions (2):

Ambry Genetics
Classification: Uncertain significance for Inborn genetic diseases. Last evaluated: 2025-08-10. Review status: criteria provided, single submitter. Criteria: Ambry Variant Classification Scheme 2023. Collection method: clinical testing. Allele origin: germline.

Labcorp Genetics (formerly Invitae), Labcorp
Classification: Uncertain significance. Last evaluated: 2025-03-11. Review status: criteria provided, single submitter. Criteria: Invitae Variant Classification Sherloc (09022015). Collection method: clinical testing. Allele origin: germline.
Comment: This sequence change replaces tyrosine, which is neutral and polar, with histidine, which is basic and polar, at codon 468 of the C1S protein (p.Tyr468His). This variant is present in population databases (rs142929874, gnomAD 0.003%). This variant has not been reported in the literature in individuals affected with C1S-related conditions. ClinVar contains an entry for this variant (Variation ID: 1476845). Invitae Evidence Modeling of protein sequence and biophysical properties (such as structural, functional, and spatial information, amino acid conservation, physicochemical variation, residue mobility, and thermodynamic stability) indicates that this missense variant is not expected to disrupt C1S protein function with a negative predictive value of 80%. In summary, the available evidence is currently insufficient to determine the role of this variant in disease. Therefore, it has been classified as a Variant of Uncertain Significance.

NM_001734.5(C1S):c.1402T>C (p.Tyr468His)

Gene: C1S (complement C1s; plus strand). Cytogenetic location: 12p13.31.
Variant type: single nucleotide variant.
Coding change: c.1402T>C on transcript NM_001734.5 (MANE Select); coding-DNA position 1402, T replaced by C.
Protein change: p.Tyr468His; replaces tyrosine 468 with histidine.
Molecular consequence: missense variant.
Genome position (GRCh38, 1-based): chr12:7,069,986, T>C. VCF-style: chr12-7069986-T-C. GRCh37 (hg19) VCF-style: chr12-7177290-T-C.
Other names: c.901T>C, p.Tyr301His (NM_001346850.2); c.1402T>C, p.Tyr468His (NM_201442.4); c.1402T>C (NM_201442.2); short protein forms Y301H, Y468H.
Identifiers: ClinVar variation 1476845 (VCV001476845.7), dbSNP rs142929874, ClinGen allele CA6423783.